The following is an entry in ClinVar:

ClinVar aggregate classification (germline): Uncertain significance (1 of 4 stars; one submission).

Allele frequency attached by ClinVar (database versions not stated): gnomAD 0.00001; 1000 Genomes Project 30x 0.00031.
gnomAD v4.1: 1 of 1,614,230 alleles (0.000062%); highest among the groups gnomAD compares: Non-Finnish European, 0.000085%; no homozygotes.

Submission:

Labcorp Genetics (formerly Invitae), Labcorp
Classification: Uncertain significance. Last evaluated: 2022-07-12. Review status: criteria provided, single submitter. Criteria: Invitae Variant Classification Sherloc (09022015). Collection method: clinical testing. Allele origin: germline.
Comment: In summary, the available evidence is currently insufficient to determine the role of this variant in disease. Therefore, it has been classified as a Variant of Uncertain Significance. Algorithms developed to predict the effect of missense changes on protein structure and function are either unavailable or do not agree on the potential impact of this missense change (SIFT: "Deleterious"; PolyPhen-2: "Benign"; Align-GVGD: "Class C65"). This variant has not been reported in the literature in individuals affected with SNAI2-related conditions. This variant is not present in population databases (gnomAD no frequency). This sequence change replaces histidine, which is basic and polar, with tyrosine, which is neutral and polar, at codon 121 of the SNAI2 protein (p.His121Tyr).

NM_003068.5(SNAI2):c.361C>T (p.His121Tyr)

Gene: SNAI2 (snail family transcriptional repressor 2; minus strand). Cytogenetic location: 8q11.21.
Variant type: single nucleotide variant.
Coding change: c.361C>T on transcript NM_003068.5 (MANE Select); coding-DNA position 361, C replaced by T.
Protein change: p.His121Tyr; replaces histidine 121 with tyrosine.
Molecular consequence: missense variant.
Genome position (GRCh38, 1-based): chr8:48,920,160, G>A on the plus strand (C>T on the coding strand, the complement: SNAI2 is on the minus strand). VCF-style: chr8-48920160-G-A. GRCh37 (hg19) VCF-style: chr8-49832719-G-A.
Other names: short protein forms H121Y.
Identifiers: ClinVar variation 2015206 (VCV002015206.4), dbSNP rs2117648826, ClinGen allele CA371184200.